The following is an entry in ClinVar:

ClinVar aggregate classification (germline): Uncertain significance. Review status: criteria provided, multiple submitters, no conflicts (2 of 4 stars). 2 submissions from 2 submitters: Uncertain significance (2). Last evaluated 2018-09-20.

Conditions:
Charcot-Marie-Tooth disease dominant intermediate B (CMTDIB). Also called: Charcot-Marie-Tooth disease dominant intermediate 1; CMT DI1; Charcot-Marie-Tooth disease dominant intermediate I; CHARCOT-MARIE-TOOTH NEUROPATHY, DOMINANT INTERMEDIATE B. Identifiers: Orphanet 100044, Orphanet 228179, MedGen C1847902, MONDO:0011674, OMIM 606482.
Autosomal dominant centronuclear myopathy. Also called: MYOTUBULAR MYOPATHY, AUTOSOMAL DOMINANT; Myopathy, centronuclear, 3. Identifiers: Orphanet 169189, MedGen C4551952, MeSH D020914, MONDO:0008048, OMIM 160150.

Allele frequency attached by ClinVar (database versions not stated): gnomAD exomes below 0.00001; ExAC 0.00001.
gnomAD v4.1: 7 of 1,613,850 alleles (0.00043%); highest among the groups gnomAD compares: East Asian, 0.0022%; no homozygotes.

Submissions (2):

Labcorp Genetics (formerly Invitae), Labcorp
Classification: Uncertain significance for Charcot-Marie-Tooth disease dominant intermediate B. Last evaluated: 2018-09-20. Review status: criteria provided, single submitter. Criteria: Invitae Variant Classification Sherloc (09022015). Collection method: clinical testing. Allele origin: germline.
Comment: This sequence change replaces alanine with serine at codon 618 of the DNM2 protein (p.Ala618Ser). The alanine residue is highly conserved and there is a moderate physicochemical difference between alanine and serine. This variant is present in population databases (rs773598203, ExAC 0.01%). This variant has not been reported in the literature in individuals with DNM2-related disease. Algorithms developed to predict the effect of missense changes on protein structure and function are either unavailable or do not agree on the potential impact of this missense change (SIFT: "Tolerated"; PolyPhen-2: "Benign"; Align-GVGD: "Class C25"). Variants that disrupt the p.Ala618 amino acid residue in DNM2 have been observed in affected individuals (PMID: 19932619, Invitae). This suggests that it is a clinically significant residue, and that other variants that disrupt this residue are likely to be causative of disease. In summary, the available evidence is currently insufficient to determine the role of this variant in disease. Therefore, it has been classified as a Variant of Uncertain Significance.

Centre for Mendelian Genomics, University Medical Centre Ljubljana
Classification: Uncertain significance for Autosomal dominant centronuclear myopathy. Last evaluated: 2016-01-01. Review status: criteria provided, single submitter. Criteria: ACMG Guidelines, 2015. Collection method: clinical testing. Allele origin: unknown. Affected: yes.
Comment: This variant was classified as: Uncertain significance. The following ACMG criteria were applied in classifying this variant: PM2,PM5,PP3.

Literature cited by the submitters: PubMed 19932619 (cited by Labcorp Genetics (formerly Invitae), Labcorp).

NM_001005361.3(DNM2):c.1852G>T (p.Ala618Ser)

Gene: DNM2 (dynamin 2; plus strand). Cytogenetic location: 19p13.2.
Variant type: single nucleotide variant.
Coding change: c.1852G>T on transcript NM_001005361.3 (MANE Select); coding-DNA position 1852, G replaced by T.
Protein change: p.Ala618Ser; replaces alanine 618 with serine.
Molecular consequence: missense variant.
Genome position (GRCh38, 1-based): chr19:10,823,858, G>T. VCF-style: chr19-10823858-G-T. GRCh37 (hg19) VCF-style: chr19-10934534-G-T.
Other names: c.1852G>T, p.Ala618Ser (NM_001005360.3, NM_001190716.2); c.1840G>T, p.Ala614Ser (NM_001005362.3, NM_004945.4); short protein forms A614S, A618S.
Identifiers: ClinVar variation 657486 (VCV000657486.12), dbSNP rs773598203, ClinGen allele CA9201419.
Genomic context (GRCh38, chr19:10,823,858, plus strand): 5'-AAGGACCTGCGGCAGATCGAGCTGGCCTGTGACTCCCAGGAAGACGTGGACAGCTGGAAG[G>T]CCTCGTTCCTCCGAGCTGGCGTCTACCCCGAGAAGGACCAGGTGAGGAGCCGTCCTGCGC-3'
Protein context (NP_001005361.1, residues 608-628): DSQEDVDSWK[Ala618Ser]SFLRAGVYPE